The following is an entry in ClinVar:

ClinVar aggregate classification (germline): Uncertain significance (1 of 4 stars; one submission).

Conditions:
Curry-Hall syndrome (WAD). Also called: WEYERS ACRODENTAL DYSOSTOSIS. Identifiers: Orphanet 952, MedGen C0457013, MONDO:0008673, OMIM 193530.
Ellis-van Creveld syndrome (EVC). Also called: EVC-Related Ellis-van Creveld Syndrome; EVC2-Related Ellis-van Creveld Syndrome; Chondroectodermal dysplasia; MESOECTODERMAL DYSPLASIA. Identifiers: Orphanet 289, MedGen C0013903, MONDO:0009162, OMIM 225500.

Allele frequency attached by ClinVar (database versions not stated): TOPMed below 0.00001; gnomAD 0.00001.
gnomAD v4.1: 1 of 1,613,972 alleles (0.000062%); highest among the groups gnomAD compares: African/African-American, 0.0013%; no homozygotes.

Submission:

Labcorp Genetics (formerly Invitae), Labcorp
Classification: Uncertain significance for Curry-Hall syndrome; Ellis-van Creveld syndrome. Last evaluated: 2022-08-09. Review status: criteria provided, single submitter. Criteria: Invitae Variant Classification Sherloc (09022015). Collection method: clinical testing. Allele origin: germline.
Comment: This sequence change replaces glutamine, which is neutral and polar, with histidine, which is basic and polar, at codon 1193 of the EVC2 protein (p.Gln1193His). This variant is present in population databases (no rsID available, gnomAD 0.01%). This variant has not been reported in the literature in individuals affected with EVC2-related conditions. ClinVar contains an entry for this variant (Variation ID: 1024421). Algorithms developed to predict the effect of missense changes on protein structure and function are either unavailable or do not agree on the potential impact of this missense change (SIFT: "Deleterious"; PolyPhen-2: "Possibly Damaging"; Align-GVGD: "Class C0"). In summary, the available evidence is currently insufficient to determine the role of this variant in disease. Therefore, it has been classified as a Variant of Uncertain Significance.

NM_147127.5(EVC2):c.3579A>C (p.Gln1193His)

Gene: EVC2 (EvC ciliary complex subunit 2; minus strand). Cytogenetic location: 4p16.2.
Variant type: single nucleotide variant.
Coding change: c.3579A>C on transcript NM_147127.5 (MANE Select); coding-DNA position 3579, A replaced by C.
Protein change: p.Gln1193His; replaces glutamine 1193 with histidine.
Molecular consequence: missense variant.
Genome position (GRCh38, 1-based): chr4:5,565,338, T>G on the plus strand (A>C on the coding strand, the complement: EVC2 is on the minus strand). VCF-style: chr4-5565338-T-G. GRCh37 (hg19) VCF-style: chr4-5567065-T-G.
Other names: c.3339A>C, p.Gln1113His (NM_001166136.2); short protein forms Q1113H, Q1193H.
Identifiers: ClinVar variation 1024421 (VCV001024421.7), dbSNP rs1346353134, ClinGen allele CA356148144.
Genomic context (GRCh38, chr4:5,565,338, plus strand): 5'-CCACAGCATCTTTTCTAATCCTCTGCTTATCAGATCTCCTCGCAGTTTGCCATCTAAGGC[T>G]TGCCACCAGCTCTGGTGTTTCCTGCAGGCAAGAAGGGAGTCTTATAGTTTCAAAAATACG-3'
Protein context (NP_667338.3, residues 1183-1203): GRRRKHQSWW[Gln1193His]ALDGKLRGDL